The following is an entry in ClinVar:

ClinVar aggregate classification (germline): Uncertain significance. Review status: criteria provided, multiple submitters, no conflicts (2 of 4 stars). 4 submissions from 4 submitters: Uncertain significance (4). Last evaluated 2024-08-27.

Conditions:
Autosomal recessive limb-girdle muscular dystrophy type 2P. Also called: MUSCULAR DYSTROPHY, LIMB-GIRDLE, TYPE 2P; Limb-Girdle Muscular Dystrophy Type 9C; MUSCULAR DYSTROPHY-DYSTROGLYCANOPATHY, LIMB-GIRDLE, DAG1-RELATED. Identifiers: Orphanet 280333, MedGen C4511963, MONDO:0013440, OMIM 613818.
Muscular dystrophy-dystroglycanopathy (congenital with brain and eye anomalies), type A9. Also called: WALKER-WARBURG SYNDROME OR MUSCLE-EYE BRAIN DISEASE, DAG1-RELATED; Muscular dystrophy-dystroglycanopathy (congenital with brain and eye anomalies), type a, 9. Identifiers: Orphanet 370997, Orphanet 899, MedGen C4225291, MONDO:0014683, OMIM 616538.
Inborn genetic diseases. Identifiers: MedGen C0950123, MeSH D030342.

Allele frequency attached by ClinVar (database versions not stated): TOPMed below 0.00001; ExAC 0.00001; gnomAD 0.00001; gnomAD exomes 0.00001 and below 0.00001.
gnomAD v4.1: 20 of 1,613,990 alleles (0.0012%); highest among the groups gnomAD compares: Non-Finnish European, 0.0015%; no homozygotes.

Submissions (4):

Ambry Genetics
Classification: Uncertain significance for Inborn genetic diseases. Last evaluated: 2024-08-27. Review status: criteria provided, single submitter. Criteria: Ambry Variant Classification Scheme 2023. Collection method: clinical testing. Allele origin: germline.

Revvity Omics, Revvity
Classification: Uncertain significance. Last evaluated: 2019-10-10. Review status: criteria provided, single submitter. Criteria: ACMG Guidelines, 2015. Collection method: clinical testing. Allele origin: germline.

Labcorp Genetics (formerly Invitae), Labcorp
Classification: Uncertain significance for Autosomal recessive limb-girdle muscular dystrophy type 2P; Muscular dystrophy-dystroglycanopathy (congenital with brain and eye anomalies), type A9. Last evaluated: 2018-07-21. Review status: criteria provided, single submitter. Criteria: Invitae Variant Classification Sherloc (09022015). Collection method: clinical testing. Allele origin: germline.
Comment: In summary, the available evidence is currently insufficient to determine the role of this variant in disease. Therefore, it has been classified as a Variant of Uncertain Significance. Algorithms developed to predict the effect of missense changes on protein structure and function (SIFT, PolyPhen-2, Align-GVGD) all suggest that this variant is likely to be tolerated, but these predictions have not been confirmed by published functional studies and their clinical significance is uncertain. This variant has not been reported in the literature in individuals with DAG1-related disease. ClinVar contains an entry for this variant (Variation ID: 284116). This variant is present in population databases (rs758104540, ExAC 0.001%). This sequence change replaces methionine with valine at codon 50 of the DAG1 protein (p.Met50Val). The methionine residue is moderately conserved and there is a small physicochemical difference between methionine and valine.

Eurofins Ntd Llc (ga)
Classification: Uncertain significance. Last evaluated: 2017-07-03. Review status: criteria provided, single submitter. Criteria: EGL Classification Definitions 2015. Collection method: clinical testing. Allele origin: germline. Observed: 2 variant alleles, 2 heterozygotes.

NM_004393.6(DAG1):c.148A>G (p.Met50Val)

Gene: DAG1 (dystroglycan 1; plus strand). Cytogenetic location: 3p21.31.
Variant type: single nucleotide variant.
Coding change: c.148A>G on transcript NM_004393.6 (MANE Select); coding-DNA position 148, A replaced by G.
Protein change: p.Met50Val; replaces methionine 50 with valine.
Molecular consequence: missense variant.
Genome position (GRCh38, 1-based): chr3:49,510,682, A>G. VCF-style: chr3-49510682-A-G. GRCh37 (hg19) VCF-style: chr3-49548115-A-G.
Other names: c.148A>G (NM_004393.4); c.148A>G, p.Met50Val (NM_001165928.4, NM_001177634.3, NM_001177635.3 and 9 more transcripts); short protein forms M50V.
Identifiers: ClinVar variation 284116 (VCV000284116.13), dbSNP rs758104540, ClinGen allele CA2398827.